The following is an entry in ClinVar:

NM_000212.3(ITGB3):c.432G>A (p.Met144Ile)

Gene: ITGB3 (integrin subunit beta 3; plus strand). Cytogenetic location: 17q21.32.
Variant type: single nucleotide variant.
Coding change: c.432G>A on transcript NM_000212.3 (MANE Select); coding-DNA position 432, G replaced by A.
Protein change: p.Met144Ile; replaces methionine 144 with isoleucine.
Molecular consequence: missense variant.
Genome position (GRCh38, 1-based): chr17:47,284,513, G>A. VCF-style: chr17-47284513-G-A. GRCh37 (hg19) VCF-style: chr17-45361879-G-A.
Other names: short protein forms M144I.
Identifiers: ClinVar variation 4074756 (VCV004074756.2).

ClinVar aggregate classification (germline): Conflicting classifications of pathogenicity. Review status: criteria provided, conflicting classifications (1 of 4 stars). 2 submissions from 2 submitters: Likely pathogenic (1); Uncertain significance (1). Last evaluated 2025-01-17.

Conditions:
Glanzmann thrombasthenia 2. Also called: BLEEDING DISORDER, PLATELET-TYPE, 23. Identifiers: MedGen C5543273, MONDO:0031009, OMIM 619267.

Submissions (2):

Cell Therapy Center, University of Jordan
Classification: Likely pathogenic for Glanzmann thrombasthenia 2. Last evaluated: 2025-01-17. Review status: criteria provided, single submitter. Criteria: ACMG Guidelines, 2015. Collection method: clinical testing. Allele origin: germline. Inheritance: Autosomal recessive inheritance. Affected: yes. Observed: 1 homozygote.
Comment: According to our knowledge, it was not reported before in any literature and not submitted to ClinVar . It was not observed in gnomAD . Glanzmann thrombasthenia 2 is a condition associated with ITGB3 gene. According Mutation taster is disease causing . Polyphen score 0.992 (probably damaging) . According to SIFT is deleterious with score zero.

Blueprint Genetics
Classification: Uncertain significance. Last evaluated: 2021-01-25. Review status: criteria provided, single submitter. Criteria: ACMG Guidelines, 2015. Collection method: clinical testing. Allele origin: germline.